The following is an entry in ClinVar:

ClinVar aggregate classification (germline): Uncertain significance. Review status: criteria provided, single submitter (1 of 4 stars). 2 submissions from 2 submitters: Uncertain significance (1). 1 of the submissions does not count toward it. Last evaluated 2025-11-06.

Conditions:
NLRP14-related disorder. Also called: NLRP14-related condition.

Allele frequency attached by ClinVar (database versions not stated): ExAC 0.00015; TOPMed 0.00051; ESP Exome Variant Server 0.00062; 1000 Genomes Project 30x 0.00125; gnomAD exomes 0.00004; 1000 Genomes Project 0.00100.
gnomAD v4.1: 134 of 1,614,128 alleles (0.0083%); highest among the groups gnomAD compares: African/African-American, 0.15%; 1 homozygote.

Submissions (2):

Ambry Genetics
Classification: Uncertain significance. Last evaluated: 2025-11-06. Review status: criteria provided, single submitter. Criteria: Ambry Variant Classification Scheme 2023. Collection method: clinical testing. Allele origin: germline.

PreventionGenetics, part of Exact Sciences
Classification: Likely benign for NLRP14-related condition. Last evaluated: 2022-07-20. Review status: no assertion criteria provided. Collection method: clinical testing. Allele origin: germline. Not counted in ClinVar's aggregate classification.
Comment: This variant is classified as likely benign based on ACMG/AMP sequence variant interpretation guidelines (Richards et al. 2015 PMID: 25741868, with internal and published modifications).

NM_176822.4(NLRP14):c.1382T>C (p.Met461Thr)

Gene: NLRP14 (NLR family pyrin domain containing 14; plus strand). Cytogenetic location: 11p15.4.
Variant type: single nucleotide variant.
Coding change: c.1382T>C on transcript NM_176822.4 (MANE Select); coding-DNA position 1382, T replaced by C.
Protein change: p.Met461Thr; replaces methionine 461 with threonine.
Molecular consequence: missense variant.
Genome position (GRCh38, 1-based): chr11:7,043,408, T>C. VCF-style: chr11-7043408-T-C. GRCh37 (hg19) VCF-style: chr11-7064639-T-C.
Other names: short protein forms M461T.
Identifiers: ClinVar variation 3051386 (VCV003051386.3), dbSNP rs148284961, ClinGen allele CA5864779.